The following is an entry in ClinVar:

NM_001379270.1(CNGA1):c.1003_1007del (p.Asn334_Asp335insTer)

Genes: CNGA1 (cyclic nucleotide gated channel subunit alpha 1; minus strand), LOC101927157 (uncharacterized LOC101927157; plus strand). Cytogenetic location: 4p12.
Variant type: Deletion.
Coding change: c.1003_1007del on transcript NM_001379270.1 (MANE Select); coding-DNA positions 1003 to 1007, 5 bases deleted (GATCC; older notation c.1003_1007delGATCC).
Protein change: p.Asn334_Asp335insTer.
Molecular consequence: nonsense.
Genome position (GRCh38, 1-based): chr4:47,937,475-47,937,479, GGATC deleted on the plus strand (GATCC on the coding strand, the reverse complement: CNGA1 is on the minus strand). VCF-style (leftmost placement, unchanged base first): chr4-47937474-AGGATC-A. GRCh37 (hg19) VCF-style: chr4-47939491-AGGATC-A.
Other names: c.1003_1007del, p.Asn334_Asp335insTer (NM_000087.5, NM_001142564.2); c.1003_1007delGATCC (NM_000087.5).
Identifiers: ClinVar variation 1073397 (VCV001073397.10), dbSNP rs910102517, ClinGen allele CA96689170.

ClinVar aggregate classification (germline): Pathogenic/Likely pathogenic. Review status: criteria provided, multiple submitters, no conflicts (2 of 4 stars). 3 submissions from 3 submitters: Pathogenic (2); Likely pathogenic (1). Last evaluated 2025-03-19.

Conditions:
CNGA1-related disorder. Also called: CNGA1-related condition.
Retinitis pigmentosa (RP). Identifiers: Orphanet 791, MedGen C0035334, MeSH D012174, MONDO:0019200, OMIM 268000. Inheritance: Autosomal dominant, autosomal recessive and X linked inheritance.

Allele frequency attached by ClinVar (database versions not stated): gnomAD exomes 0.00001; gnomAD 0.00004; TOPMed 0.00005.

Submissions (3):

Women's Health and Genetics/Laboratory Corporation of America, LabCorp
Classification: Pathogenic for Retinitis pigmentosa. Last evaluated: 2025-03-19. Review status: criteria provided, single submitter. Criteria: LabCorp Variant Classification Summary - May 2015. Collection method: clinical testing. Allele origin: germline.
Comment: Variant summary: CNGA1 c.1003_1007delGATCC (p.Asp335X) results in a premature termination codon, predicted to cause a truncation of the encoded protein. The variant was absent in 248744 control chromosomes. To our knowledge, no occurrence of c.1003_1007delGATCC in individuals affected with Retinitis Pigmentosa and no experimental evidence demonstrating its impact on protein function have been reported. Multiple variants downstream of this position have been classified as pathogenic in ClinVar. ClinVar contains an entry for this variant (Variation ID: 1073397). Based on the evidence outlined above, the variant was classified as pathogenic.

Labcorp Genetics (formerly Invitae), Labcorp
Classification: Pathogenic. Last evaluated: 2024-08-23. Review status: criteria provided, single submitter. Criteria: Invitae Variant Classification Sherloc (09022015). Collection method: clinical testing. Allele origin: germline.
Comment: This sequence change creates a premature translational stop signal (p.Asp339*) in the CNGA1 gene. While this is not anticipated to result in nonsense mediated decay, it is expected to disrupt the last 352 amino acid(s) of the CNGA1 protein. This variant is not present in population databases (gnomAD no frequency). This variant has not been reported in the literature in individuals affected with CNGA1-related conditions. ClinVar contains an entry for this variant (Variation ID: 1073397). This variant disrupts a region of the CNGA1 protein in which other variant(s) (p.Arg658Aspfs*2) have been determined to be pathogenic (PMID: 7479749, 24265693). This suggests that this is a clinically significant region of the protein, and that variants that disrupt it are likely to be disease-causing. For these reasons, this variant has been classified as Pathogenic.

Blueprint Genetics
Classification: Likely pathogenic for CNGA1-related disorders. Last evaluated: 2019-06-17. Review status: criteria provided, single submitter. Criteria: ACMG Guidelines, 2015. Collection method: clinical testing. Allele origin: germline. Affected: yes. Observed: 1 variant allele.

Literature cited by the submitters: PubMed 7479749 (cited by Labcorp Genetics (formerly Invitae), Labcorp); PubMed 24265693 (cited by Labcorp Genetics (formerly Invitae), Labcorp).